The following is an entry in ClinVar:

ClinVar aggregate classification (germline): Benign/Likely benign. Review status: criteria provided, multiple submitters, no conflicts (2 of 4 stars). 4 submissions from 4 submitters: Benign (2); Likely benign (1). 1 of the submissions does not count toward it. Last evaluated 2025-09-15.

Conditions:
ACO2-related disorder. Also called: ACO2-Related Disorders.

Allele frequency attached by ClinVar (database versions not stated): gnomAD 0.00001 and 0.00017; TOPMed 0.00001; ESP Exome Variant Server 0.00008; gnomAD exomes 0.00035 and 0.00071; 1000 Genomes Project 0.00060; 1000 Genomes Project 30x 0.00062; ExAC 0.00077.

Submissions (4):

Labcorp Genetics (formerly Invitae), Labcorp
Classification: Benign. Last evaluated: 2025-09-15. Review status: criteria provided, single submitter. Criteria: Invitae Variant Classification Sherloc (09022015). Collection method: clinical testing. Allele origin: germline.

Blueprint Genetics
Classification: Likely benign. Last evaluated: 2024-11-05. Review status: criteria provided, single submitter. Criteria: ACMG Guidelines, 2015. Collection method: clinical testing. Allele origin: germline.

Breakthrough Genomics
Classification: Benign. Review status: criteria provided, single submitter. Criteria: ACMG Guidelines, 2015. Collection method: not provided. Allele origin: germline. Inheritance: Autosomal recessive inheritance. Affected: yes.

PreventionGenetics, part of Exact Sciences
Classification: Likely benign for ACO2-related condition. Last evaluated: 2019-11-26. Review status: no assertion criteria provided. Collection method: clinical testing. Allele origin: germline. Not counted in ClinVar's aggregate classification.
Comment: This variant is classified as likely benign based on ACMG/AMP sequence variant interpretation guidelines (Richards et al. 2015 PMID: 25741868, with internal and published modifications).

NM_001098.3(ACO2):c.1049A>G (p.Asn350Ser)

Gene: ACO2 (aconitase 2; plus strand). Cytogenetic location: 22q13.2.
Variant type: single nucleotide variant.
Coding change: c.1049A>G on transcript NM_001098.3 (MANE Select); coding-DNA position 1049, A replaced by G.
Protein change: p.Asn350Ser; replaces asparagine 350 with serine.
Molecular consequence: missense variant.
Genome position (GRCh38, 1-based): chr22:41,520,187, A>G. VCF-style: chr22-41520187-A-G. GRCh37 (hg19) VCF-style: chr22-41916191-A-G.
Other names: short protein forms N350S.
Identifiers: ClinVar variation 214020 (VCV000214020.13), dbSNP rs370742333, ClinGen allele CA320288.
Genomic context (GRCh38, chr22:41,520,187, plus strand): 5'-TCTTCCCTCCTCTCTTTCTTCTCCTTGCATGTTTGTTTCTTCAGCTGAAGCCACACATCA[A>G]TGGGCCCTTCACCCCTGACCTGGCTCACCCTGTGGCAGAAGTGGGCAAGGTGGCAGAGAA-3'
Protein context (NP_001089.1, residues 340-360): INLSELKPHI[Asn350Ser]GPFTPDLAHP